The following is an entry in ClinVar:

NM_004187.5(KDM5C):c.1261G>T (p.Val421Leu)

Gene: KDM5C (lysine demethylase 5C; minus strand). Cytogenetic location: Xp11.22.
Variant type: single nucleotide variant.
Coding change: c.1261G>T on transcript NM_004187.5 (MANE Select); coding-DNA position 1261, G replaced by T.
Protein change: p.Val421Leu; replaces valine 421 with leucine.
Molecular consequence: missense variant. On other transcripts: non-coding transcript variant (3).
Genome position (GRCh38, 1-based): chrX:53,211,637, C>A on the plus strand (G>T on the coding strand, the complement: KDM5C is on the minus strand). VCF-style: chrX-53211637-C-A. GRCh37 (hg19) VCF-style: chrX-53240819-C-A.
Other names: c.1060G>T, p.Val354Leu (NM_001146702.2); c.1258G>T, p.Val420Leu (NM_001282622.3, NM_001353979.2, NM_001353982.2); c.1261G>T, p.Val421Leu (NM_001353978.3, NM_001353981.2, NM_001353984.2); short protein forms V354L, V420L, V421L.
Identifiers: ClinVar variation 4539950 (VCV004539950.1).

ClinVar aggregate classification (germline): Uncertain significance (1 of 4 stars; one submission).

Submission:

GeneDx
Classification: Uncertain significance. Last evaluated: 2025-06-28. Review status: criteria provided, single submitter. Criteria: GeneDx Variant Classification Process June 2021. Collection method: clinical testing. Allele origin: germline. Affected: yes.
Comment: Not observed at significant frequency in large population cohorts (gnomAD); In silico analysis supports that this missense variant has a deleterious effect on protein structure/function; Has not been previously published as pathogenic or benign to our knowledge